The following is an entry in ClinVar:

ClinVar aggregate classification (germline): Benign/Likely benign. Review status: criteria provided, multiple submitters, no conflicts (2 of 4 stars). 4 submissions from 4 submitters: Benign (3); Likely benign (1). Last evaluated 2026-05-01.

Allele frequency attached by ClinVar (database versions not stated): 1000 Genomes Project 0.00319; 1000 Genomes Project 30x 0.00328; gnomAD 0.00404; ESP Exome Variant Server 0.00415; TOPMed 0.00456.
gnomAD v4.1: 1,203 of 1,614,236 alleles (0.075%); highest among the groups gnomAD compares: African/African-American, 1.5%; 13 homozygotes.

Submissions (4):

CeGaT Center for Human Genetics Tuebingen
Classification: Benign. Last evaluated: 2026-05-01. Review status: criteria provided, single submitter. Criteria: CeGaT Center For Human Genetics Tuebingen Variant Classification Criteria Version 2. Collection method: clinical testing. Allele origin: germline. Affected: yes. Observed: 1 variant allele.
Comment: MERTK: BS1, BS2

Labcorp Genetics (formerly Invitae), Labcorp
Classification: Benign. Last evaluated: 2026-02-02. Review status: criteria provided, single submitter. Criteria: Invitae Variant Classification Sherloc (09022015). Collection method: clinical testing. Allele origin: germline.

Blueprint Genetics
Classification: Likely benign. Last evaluated: 2024-11-11. Review status: criteria provided, single submitter. Criteria: ACMG Guidelines, 2015. Collection method: clinical testing. Allele origin: germline.

Breakthrough Genomics
Classification: Benign. Review status: criteria provided, single submitter. Criteria: ACMG Guidelines, 2015. Collection method: not provided. Allele origin: germline. Inheritance: Autosomal recessive inheritance. Affected: yes.

NM_006343.3(MERTK):c.782G>A (p.Ser261Asn)

Gene: MERTK (MER proto-oncogene, tyrosine kinase; plus strand). Cytogenetic location: 2q13.
Variant type: single nucleotide variant.
Coding change: c.782G>A on transcript NM_006343.3 (MANE Select); coding-DNA position 782, G replaced by A.
Protein change: p.Ser261Asn; replaces serine 261 with asparagine.
Molecular consequence: missense variant.
Genome position (GRCh38, 1-based): chr2:111,965,215, G>A. VCF-style: chr2-111965215-G-A. GRCh37 (hg19) VCF-style: chr2-112722792-G-A.
Other names: short protein forms S261N.
Identifiers: ClinVar variation 775752 (VCV000775752.13), dbSNP rs142284609, ClinGen allele CA1831171.